The following is an entry in ClinVar:

ClinVar aggregate classification (germline): Uncertain significance (1 of 4 stars; one submission).

Conditions:
Meckel-Gruber syndrome. Also called: GRUBER SYNDROME; DYSENCEPHALIA SPLANCHNOCYSTICA; Dysencephalia splachnocystica. Identifiers: Orphanet 564, MedGen C0265215, MONDO:0018921.
Joubert syndrome. Also called: Familial aplasia of the vermis; JOUBERT-BOLTSHAUSER SYNDROME; CEREBELLOPARENCHYMAL DISORDER IV. Identifiers: Orphanet 475, MedGen C5979921, MONDO:0018772.

gnomAD v4.1: 16 of 1,613,790 alleles (0.00099%); highest among the groups gnomAD compares: South Asian, 0.014%; no homozygotes.

Submission:

Labcorp Genetics (formerly Invitae), Labcorp
Classification: Uncertain significance for Joubert syndrome; Meckel-Gruber syndrome. Last evaluated: 2025-09-28. Review status: criteria provided, single submitter. Criteria: Invitae Variant Classification Sherloc (09022015). Collection method: clinical testing. Allele origin: germline.
Comment: This sequence change replaces serine, which is neutral and polar, with cysteine, which is neutral and slightly polar, at codon 286 of the TMEM67 protein (p.Ser286Cys). This variant is present in population databases (rs776903307, gnomAD 0.01%). This variant has not been reported in the literature in individuals affected with TMEM67-related conditions. Invitae Evidence Modeling of protein sequence and biophysical properties (such as structural, functional, and spatial information, amino acid conservation, physicochemical variation, residue mobility, and thermodynamic stability) indicates that this missense variant is expected to disrupt TMEM67 protein function with a positive predictive value of 80%. In summary, the available evidence is currently insufficient to determine the role of this variant in disease. Therefore, it has been classified as a Variant of Uncertain Significance.

NM_153704.6(TMEM67):c.857C>G (p.Ser286Cys)

Gene: TMEM67 (transmembrane protein 67; plus strand). Cytogenetic location: 8q22.1.
Variant type: single nucleotide variant.
Coding change: c.857C>G on transcript NM_153704.6 (MANE Select); coding-DNA position 857, C replaced by G.
Protein change: p.Ser286Cys; replaces serine 286 with cysteine.
Molecular consequence: missense variant. On other transcripts: non-coding transcript variant (1).
Genome position (GRCh38, 1-based): chr8:93,780,735, C>G. VCF-style: chr8-93780735-C-G. GRCh37 (hg19) VCF-style: chr8-94792963-C-G.
Other names: c.614C>G, p.Ser205Cys (NM_001142301.1); short protein forms S286C, S205C.
Identifiers: ClinVar variation 4788543 (VCV004788543.1).